The following is an entry in ClinVar:

NM_004655.4(AXIN2):c.2237+4_2237+7del

Gene: AXIN2 (axin 2; minus strand). Cytogenetic location: 17q24.1.
Variant type: Microsatellite.
Coding change: c.2237+4_2237+7del on transcript NM_004655.4 (MANE Select); bases 4 to 7 of the intron after coding-DNA position 2237, 4 bases deleted (AGTG; older notation c.2237+4_2237+7delAGTG).
Molecular consequence: splice donor variant.
Genome position (GRCh38, 1-based): chr17:65,535,619-65,535,622, CACT deleted on the plus strand (AGTG on the coding strand, the reverse complement: AXIN2 is on the minus strand); deleting any 4 consecutive bases within chr17:65,535,619-65,535,627 gives the same sequence; the c. name uses the placement nearest the transcript's 3' end. VCF-style (leftmost placement, unchanged base first): chr17-65535618-ACACT-A. GRCh37 (hg19) VCF-style: chr17-63531736-ACACT-A.
Other names: c.2042+4_2042+7del (NM_001363813.1).
Identifiers: ClinVar variation 1788204 (VCV001788204.2), dbSNP rs2509396421, ClinGen allele CA2580613219.

ClinVar aggregate classification (germline): Uncertain significance (1 of 4 stars; one submission).

Conditions:
Hereditary cancer-predisposing syndrome. Also called: Neoplastic Syndromes, Hereditary; Tumor predisposition; Hereditary Cancer Syndrome; Hereditary neoplastic syndrome. Identifiers: Orphanet 140162, MedGen C0027672, MeSH D009386, MONDO:0015356.

Submission:

Ambry Genetics
Classification: Uncertain significance for Hereditary cancer-predisposing syndrome. Last evaluated: 2020-11-25. Review status: criteria provided, single submitter. Criteria: Ambry Variant Classification Scheme 2023. Collection method: clinical testing. Allele origin: germline.
Comment: The c.2237+4_2237+7delAGTG intronic variant is located 4 nucleotides downstream from coding exon 8 in the AXIN2 gene. This variant results from a deletion of 4 nucleotides at positions c.2237+4 to c.2237+7. The intronic variant, located in intron 8 of the AXIN2 gene, results from a deletion of 4 nucleotides within intron 8 of the AXIN2 gene. In silico splice site analysis predicts that this alteration will weaken the native splice donor site. Since supporting evidence is limited at this time, the clinical significance of this alteration remains unclear.